The following is an entry in ClinVar:

NM_000057.4(BLM):c.1461T>A (p.Phe487Leu)

Gene: BLM (BLM RecQ like helicase; plus strand). Cytogenetic location: 15q26.1.
Variant type: single nucleotide variant.
Coding change: c.1461T>A on transcript NM_000057.4 (MANE Select); coding-DNA position 1461, T replaced by A.
Protein change: p.Phe487Leu; replaces phenylalanine 487 with leucine.
Molecular consequence: missense variant.
Genome position (GRCh38, 1-based): chr15:90,760,834, T>A. VCF-style: chr15-90760834-T-A. GRCh37 (hg19) VCF-style: chr15-91304064-T-A.
Other names: c.1461T>A, p.Phe487Leu (NM_001287246.2, NM_001287247.2); c.336T>A, p.Phe112Leu (NM_001287248.2); short protein forms F112L, F487L.
Identifiers: ClinVar variation 4696579 (VCV004696579.1).

ClinVar aggregate classification (germline): Uncertain significance (1 of 4 stars; one submission).

Conditions:
Bloom syndrome (BLM). Also called: Bloom-Torre-Machacek syndrome. Identifiers: Orphanet 125, MedGen C0005859, MONDO:0008876, OMIM 210900.

Submission:

Labcorp Genetics (formerly Invitae), Labcorp
Classification: Uncertain significance for Bloom syndrome. Last evaluated: 2025-12-20. Review status: criteria provided, single submitter. Criteria: Invitae Variant Classification Sherloc (09022015). Collection method: clinical testing. Allele origin: germline.
Comment: This sequence change replaces phenylalanine, which is neutral and non-polar, with leucine, which is neutral and non-polar, at codon 487 of the BLM protein (p.Phe487Leu). This variant is not present in population databases (gnomAD no frequency). This variant has not been reported in the literature in individuals affected with BLM-related conditions. Invitae Evidence Modeling of protein sequence and biophysical properties (such as structural, functional, and spatial information, amino acid conservation, physicochemical variation, residue mobility, and thermodynamic stability) indicates that this missense variant is not expected to disrupt BLM protein function with a negative predictive value of 80%. In summary, the available evidence is currently insufficient to determine the role of this variant in disease. Therefore, it has been classified as a Variant of Uncertain Significance.